The following is an entry in ClinVar:

ClinVar aggregate classification (germline): Likely pathogenic (1 of 4 stars; one submission).

Conditions:
Severe combined immunodeficiency, autosomal recessive, T cell-negative, B cell-negative, NK cell-positive. Also called: Severe combined immunodeficiency due to complete RAG1/2 deficiency; SCID, T CELL-NEGATIVE, B CELL-NEGATIVE, NK CELL-POSITIVE; SCID, AR, T-cell negative, B-cell negative, NK cell-positive. Identifiers: Orphanet 331206, MedGen C1832322, MONDO:0011086, OMIM 601457.
Combined immunodeficiency with skin granulomas. Identifiers: Orphanet 157949, MedGen C2673536, MONDO:0009306, OMIM 233650.
Histiocytic medullary reticulosis. Also called: SEVERE COMBINED IMMUNODEFICIENCY WITH HYPEREOSINOPHILIA; Omenn syndrome. Identifiers: Orphanet 39041, MedGen C2700553, MONDO:0011338, OMIM 603554.

Submission:

Juno Genomics, Hangzhou Juno Genomics, Inc
Classification: Likely pathogenic for Combined immunodeficiency with skin granulomas; Histiocytic medullary reticulosis; Severe combined immunodeficiency, autosomal recessive, T cell-negative, B cell-negative, NK cell-positive. Review status: criteria provided, single submitter. Criteria: ACMG Guidelines, 2015. Collection method: clinical testing. Allele origin: germline.
Comment: Null variant in a gene where loss of function (LOF) is a known mechanism of disease.;Absent from controls (or at extremely low frequency if recessive) in Genome Aggregation Database.

NM_000536.4(RAG2):c.850A>T (p.Arg284Ter)

Gene: RAG2 (recombination activating 2; minus strand). Cytogenetic location: 11p12.
Variant type: single nucleotide variant.
Coding change: c.850A>T on transcript NM_000536.4 (MANE Select); coding-DNA position 850, A replaced by T.
Protein change: p.Arg284Ter; replaces arginine 284 with a stop codon.
Molecular consequence: nonsense.
Genome position (GRCh38, 1-based): chr11:36,593,319, T>A on the plus strand (A>T on the coding strand, the complement: RAG2 is on the minus strand). VCF-style: chr11-36593319-T-A. GRCh37 (hg19) VCF-style: chr11-36614869-T-A.
Other names: c.850A>T, p.Arg284Ter (NM_001243785.2, NM_001243786.2); short protein forms R284*.
Identifiers: ClinVar variation 5007864 (VCV005007864.2).